The following is an entry in ClinVar:

NM_015570.4(AUTS2):c.3297C>A (p.Asp1099Glu)

Gene: AUTS2 (activator of transcription and developmental regulator AUTS2; plus strand). Cytogenetic location: 7q11.22.
Variant type: single nucleotide variant.
Coding change: c.3297C>A on transcript NM_015570.4 (MANE Select); coding-DNA position 3297, C replaced by A.
Protein change: p.Asp1099Glu; replaces aspartic acid 1099 with glutamic acid.
Molecular consequence: missense variant.
Genome position (GRCh38, 1-based): chr7:70,790,513, C>A. VCF-style: chr7-70790513-C-A. GRCh37 (hg19) VCF-style: chr7-70255499-C-A.
Other names: c.3225C>A, p.Asp1075Glu (NM_001127231.3); short protein forms D1075E, D1099E.
Identifiers: ClinVar variation 4055809 (VCV004055809.1).

ClinVar aggregate classification (germline): Uncertain significance (1 of 4 stars; one submission).

gnomAD v4.1: 1 of 1,611,474 alleles (0.000062%); highest among the groups gnomAD compares: South Asian, 0.0011%; no homozygotes.

Submission:

GeneDx
Classification: Uncertain significance. Last evaluated: 2025-01-07. Review status: criteria provided, single submitter. Criteria: GeneDx Variant Classification Process June 2021. Collection method: clinical testing. Allele origin: germline. Affected: yes.
Comment: Not observed at significant frequency in large population cohorts (gnomAD); In silico analysis indicates that this missense variant does not alter protein structure/function; Has not been previously published as pathogenic or benign to our knowledge